The following is an entry in ClinVar:

ClinVar aggregate classification (germline): Uncertain significance (1 of 4 stars; one submission).

Submission:

GeneDx
Classification: Uncertain significance. Last evaluated: 2026-04-09. Review status: criteria provided, single submitter. Criteria: GeneDx Variant Classification Process June 2021. Collection method: clinical testing. Allele origin: germline.
Comment: Not observed at significant frequency in large population cohorts (gnomAD); Has not been previously published as pathogenic or benign to our knowledge; Initiation codon variant in a gene with an unclear effect on protein function

NM_014491.4(FOXP2):c.2T>A (p.Met1Lys)

Gene: FOXP2 (forkhead box P2; plus strand). Cytogenetic location: 7q31.1.
Variant type: single nucleotide variant.
Coding change: c.2T>A on transcript NM_014491.4 (MANE Select); coding-DNA position 2, T replaced by A.
Protein change: p.Met1Lys; changes the start codon (methionine 1).
Molecular consequence: missense variant, initiator codon variant. On other transcripts: non-coding transcript variant (2).
Genome position (GRCh38, 1-based): chr7:114,426,513, T>A. VCF-style: chr7-114426513-T-A. GRCh37 (hg19) VCF-style: chr7-114066568-T-A.
Other names: c.2T>A, p.Met1Lys (NM_001172766.3, NM_001172767.2, NM_148898.4 and 2 more transcripts); short protein forms M1K.
Identifiers: ClinVar variation 5036984 (VCV005036984.1).